The following is an entry in ClinVar:

NM_177438.3(DICER1):c.1174C>T (p.Arg392Ter)

Gene: DICER1 (dicer 1, ribonuclease III; minus strand). Cytogenetic location: 14q32.13.
Variant type: single nucleotide variant.
Coding change: c.1174C>T on transcript NM_177438.3 (MANE Select); coding-DNA position 1174, C replaced by T.
Protein change: p.Arg392Ter; replaces arginine 392 with a stop codon.
Molecular consequence: nonsense.
Genome position (GRCh38, 1-based): chr14:95,124,398, G>A on the plus strand (C>T on the coding strand, the complement: DICER1 is on the minus strand). VCF-style: chr14-95124398-G-A. GRCh37 (hg19) VCF-style: chr14-95590735-G-A.
Other names: c.1174C>T, p.Arg392Ter (NM_001195573.1, NM_001271282.3, NM_001291628.2 and 1 more transcripts); short protein forms R392*.
Identifiers: ClinVar variation 429141 (VCV000429141.19), dbSNP rs1131691211, ClinGen allele CA390886799.

ClinVar aggregate classification (germline): Pathogenic/Likely pathogenic. Review status: criteria provided, multiple submitters, no conflicts (2 of 4 stars). 7 submissions from 7 submitters: Pathogenic (5); Likely pathogenic (1). 1 of the submissions does not count toward it. Last evaluated 2025-09-20.

Conditions:
Hereditary cancer-predisposing syndrome. Also called: Hereditary Cancer Syndrome; Tumor predisposition; Neoplastic Syndromes, Hereditary; Hereditary neoplastic syndrome. Identifiers: Orphanet 140162, MedGen C0027672, MeSH D009386, MONDO:0015356.
DICER1-related tumor predisposition. Also called: DICER1-related pleuropulmonary blastoma cancer predisposition syndrome; DICER1 syndrome. Identifiers: Orphanet 284343, MedGen C3839822, MONDO:0100216.
Rhabdomyosarcoma. Also called: Rhabdomyosarcoma (disease). Identifiers: Orphanet 780, MedGen C0035412, MeSH D012208, MONDO:0005212, HP:0002859.

Allele frequency attached by ClinVar (database versions not stated): gnomAD exomes below 0.00001.

Submissions (7):

Dasa
Classification: Pathogenic. Last evaluated: 2025-09-20. Review status: criteria provided, single submitter. Criteria: DASA Assertion Criteria. Collection method: clinical testing. Allele origin: germline.
Comment: NM_177438.3(DICER1):c.1174C>T (p.Arg392*) introduces a premature termination codon predicted to result in loss of normal protein function. Loss-of-function is an established mechanism of disease for this gene. This variant has been reported in individuals with related phenotype (PMID: 28624956). The variant is present at low frequency in population datasets. Based on the available data, this variant is classified as pathogenic.

Division of Genetic & Genomic Pathology, Hong Kong Children's Hospital
Classification: Pathogenic for DICER1-related tumor predisposition. Last evaluated: 2024-11-15. Review status: criteria provided, single submitter. Criteria: ACMG Guidelines, 2015. Collection method: clinical testing. Allele origin: germline. Affected: yes.
Comment: The nonsense variant DICER1 c.1174C>T p.(Arg392*) in exon 8 of the gene creates a premature stop codon. It is predicted to result in loss of normal protein function either by protein truncation or nonsense-mediated mRNA decay. DICER1 is curated as a gene with sufficient evidence for haploinsufficiency in ClinGen. This variant is absent in population control database [gnomAD v3.1.2 (non-cancer)]. It has been reported as (likely) pathogenic in ClinVar (VCV000429141.15, with 5 submissions) and observed in patients with DICER1-related pediatric rhabdomyosarcoma, pleuropulmonary blastoma and thyroid goite (PMID: 33372952, 28624956). For these reasons, the variant is classified as pathogenic according to ClinGen DICER1 and miRNA-Processing Gene Expert Panel Specifications to the ACMG/AMPVariant Interpretation Guidelines for DICER1 Version 1.3.0.

Labcorp Genetics (formerly Invitae), Labcorp
Classification: Pathogenic for DICER1-related tumor predisposition. Last evaluated: 2024-04-30. Review status: criteria provided, single submitter. Criteria: Invitae Variant Classification Sherloc (09022015). Collection method: clinical testing. Allele origin: germline.
Comment: This sequence change creates a premature translational stop signal (p.Arg392*) in the DICER1 gene. It is expected to result in an absent or disrupted protein product. Loss-of-function variants in DICER1 are known to be pathogenic (PMID: 19556464, 21266384). This variant is not present in population databases (gnomAD no frequency). This premature translational stop signal has been observed in individual(s) with features of pleuropulmonary blastoma (PMID: 28624956). ClinVar contains an entry for this variant (Variation ID: 429141). For these reasons, this variant has been classified as Pathogenic.

Ambry Genetics
Classification: Pathogenic for Hereditary cancer-predisposing syndrome. Last evaluated: 2022-10-03. Review status: criteria provided, single submitter. Criteria: Ambry Variant Classification Scheme 2023. Collection method: clinical testing. Allele origin: germline.
Comment: The p.R392* pathogenic mutation (also known as c.1174C>T), located in coding exon 7 of the DICER1 gene, results from a C to T substitution at nucleotide position 1174. This changes the amino acid from an arginine to a stop codon within coding exon 7. This variant is considered to be rare based on population cohorts in the Genome Aggregation Database (gnomAD). This alteration is expected to result in loss of function by premature protein truncation or nonsense-mediated mRNA decay. As such, this alteration is interpreted as a disease-causing mutation.

Foulkes Cancer Genetics LDI, Lady Davis Institute for Medical Research
Classification: Pathogenic for Pleuropulmonary blastoma. Last evaluated: 2019-07-01. Review status: criteria provided, single submitter. Criteria: ACMG Guidelines, 2015. Collection method: curation. Allele origin: germline, somatic. Affected: yes and no. Observed: 3 variant alleles.
Comment: ACMG criteria met: PVS1, PM2, PP4

PreventionGenetics, part of Exact Sciences
Classification: Likely pathogenic. Last evaluated: 2016-07-26. Review status: criteria provided, single submitter. Criteria: ACMG Guidelines, 2015. Collection method: clinical testing. Allele origin: germline.

Human Genome Sequencing Center Clinical Lab, Baylor College of Medicine
Classification: Pathogenic for Rhabdomyosarcoma. Last evaluated: 2020-09-01. Review status: no assertion criteria provided. Collection method: provider interpretation. Allele origin: germline. Affected: yes. Not counted in ClinVar's aggregate classification.

Literature cited by the submitters: PubMed 28624956 (cited by 4 submitters); PubMed 33372952 (cited by Division of Genetic & Genomic Pathology, Hong Kong Children's Hospital and Human Genome Sequencing Center Clinical Lab, Baylor College of Medicine); PubMed 19556464 (cited by Labcorp Genetics (formerly Invitae), Labcorp); PubMed 21266384 (cited by Labcorp Genetics (formerly Invitae), Labcorp); PubMed 30266945 (cited by Foulkes Cancer Genetics LDI, Lady Davis Institute for Medical Research).